The following is an entry in ClinVar:

ClinVar aggregate classification (germline): Likely pathogenic. Review status: criteria provided, multiple submitters, no conflicts (2 of 4 stars). 3 submissions from 3 submitters: Likely pathogenic (2). 1 of the submissions does not count toward it. Last evaluated 2024-03-09.

Conditions:
Retinal dystrophy. Also called: Inherited retinal dystrophy. Identifiers: Orphanet 71862, MedGen C0854723, MeSH D058499, MONDO:0019118, HP:0000556.
RHO-related disorder. Also called: RHO-related condition.

Submissions (3):

Labcorp Genetics (formerly Invitae), Labcorp
Classification: Likely pathogenic. Last evaluated: 2024-03-09. Review status: criteria provided, single submitter. Criteria: Invitae Variant Classification Sherloc (09022015). Collection method: clinical testing. Allele origin: germline.
Comment: This sequence change replaces proline, which is neutral and non-polar, with arginine, which is basic and polar, at codon 180 of the RHO protein (p.Pro180Arg). This variant is not present in population databases (gnomAD no frequency). This missense change has been observed in individual(s) with autosomal dominant retinitis pigmentosa (Invitae). ClinVar contains an entry for this variant (Variation ID: 1060030). Advanced modeling of protein sequence and biophysical properties (such as structural, functional, and spatial information, amino acid conservation, physicochemical variation, residue mobility, and thermodynamic stability) performed at Invitae indicates that this missense variant is expected to disrupt RHO protein function with a positive predictive value of 80%. This variant disrupts the p.Pro180 amino acid residue in RHO. Other variant(s) that disrupt this residue have been determined to be pathogenic (PMID: 11139241, 17014888, 22334370). This suggests that this residue is clinically significant, and that variants that disrupt this residue are likely to be disease-causing. In summary, the currently available evidence indicates that the variant is pathogenic, but additional data are needed to prove that conclusively. Therefore, this variant has been classified as Likely Pathogenic.

Blueprint Genetics
Classification: Likely pathogenic for RHO-related disorders. Last evaluated: 2022-11-10. Review status: criteria provided, single submitter. Criteria: ACMG Guidelines, 2015. Collection method: clinical testing. Allele origin: germline. Affected: yes. Observed: 2 variant alleles.

Institute of Human Genetics, Univ. Regensburg, Univ. Regensburg
Classification: Likely pathogenic for Retinal dystrophy. Last evaluated: 2023-01-01. Review status: no assertion criteria provided. Criteria: ACMG Guidelines, 2015. Collection method: clinical testing. Allele origin: germline. Affected: yes. Not counted in ClinVar's aggregate classification.

Literature cited by the submitters: PubMed 11139241 (cited by Labcorp Genetics (formerly Invitae), Labcorp); PubMed 17014888 (cited by Labcorp Genetics (formerly Invitae), Labcorp); PubMed 22334370 (cited by Labcorp Genetics (formerly Invitae), Labcorp).

NM_000539.3(RHO):c.539C>G (p.Pro180Arg)

Gene: RHO (rhodopsin; plus strand). Cytogenetic location: 3q22.1.
Variant type: single nucleotide variant.
Coding change: c.539C>G on transcript NM_000539.3 (MANE Select); coding-DNA position 539, C replaced by G.
Protein change: p.Pro180Arg; replaces proline 180 with arginine.
Molecular consequence: missense variant.
Genome position (GRCh38, 1-based): chr3:129,532,259, C>G. VCF-style: chr3-129532259-C-G. GRCh37 (hg19) VCF-style: chr3-129251102-C-G.
Other names: short protein forms P180R.
Identifiers: ClinVar variation 1060030 (VCV001060030.9), dbSNP rs2084785483, ClinGen allele CA354499115.